The following is an entry in ClinVar:

NM_001113491.2(SEPTIN9):c.1168T>C (p.Tyr390His)

Gene: SEPTIN9 (septin 9; plus strand). Cytogenetic location: 17q25.3.
Variant type: single nucleotide variant.
Coding change: c.1168T>C on transcript NM_001113491.2 (MANE Select); coding-DNA position 1168, T replaced by C.
Protein change: p.Tyr390His; replaces tyrosine 390 with histidine.
Molecular consequence: missense variant.
Genome position (GRCh38, 1-based): chr17:77,488,770, T>C. VCF-style: chr17-77488770-T-C. GRCh37 (hg19) VCF-style: chr17-75484852-T-C.
Other names: c.1114T>C (NM_006640.4); c.676T>C, p.Tyr226His (NM_001113492.2, NM_001113494.1); c.1147T>C, p.Tyr383His (NM_001113493.2); c.415T>C, p.Tyr139His (NM_001113495.2, NM_001113496.2, NM_001293697.2 and 1 more transcripts); c.1111T>C, p.Tyr371His (NM_001293695.2); c.496T>C, p.Tyr166His (NM_001293696.2); c.1114T>C, p.Tyr372His (NM_006640.5); short protein forms Y139H, Y166H, Y226H, Y371H, Y372H, Y383H, Y390H.
Identifiers: ClinVar variation 2445591 (VCV002445591.5), dbSNP rs1222889712, ClinGen allele CA401209179.

ClinVar aggregate classification (germline): Uncertain significance. Review status: criteria provided, multiple submitters, no conflicts (2 of 4 stars). 2 submissions from 2 submitters: Uncertain significance (2). Last evaluated 2025-06-03.

Conditions:
Inborn genetic diseases. Identifiers: MedGen C0950123, MeSH D030342.

Allele frequency attached by ClinVar (database versions not stated): gnomAD exomes below 0.00001; gnomAD 0.00001; TOPMed 0.00001.
gnomAD v4.1: 3 of 1,613,738 alleles (0.00019%); highest among the groups gnomAD compares: Admixed American, 0.0033%; no homozygotes.

Submissions (2):

Ambry Genetics
Classification: Uncertain significance for Inborn genetic diseases. Last evaluated: 2025-06-03. Review status: criteria provided, single submitter. Criteria: Ambry Variant Classification Scheme 2023. Collection method: clinical testing. Allele origin: germline.

Labcorp Genetics (formerly Invitae), Labcorp
Classification: Uncertain significance. Last evaluated: 2025-05-19. Review status: criteria provided, single submitter. Criteria: Invitae Variant Classification Sherloc (09022015). Collection method: clinical testing. Allele origin: germline.
Comment: This sequence change replaces tyrosine, which is neutral and polar, with histidine, which is basic and polar, at codon 372 of the SEPT9 protein (p.Tyr372His). This variant is present in population databases (no rsID available, gnomAD 0.003%). This variant has not been reported in the literature in individuals affected with SEPT9-related conditions. ClinVar contains an entry for this variant (Variation ID: 2445591). Invitae Evidence Modeling of protein sequence and biophysical properties (such as structural, functional, and spatial information, amino acid conservation, physicochemical variation, residue mobility, and thermodynamic stability) indicates that this missense variant is expected to disrupt SEPT9 protein function with a positive predictive value of 80%. In summary, the available evidence is currently insufficient to determine the role of this variant in disease. Therefore, it has been classified as a Variant of Uncertain Significance.